The following is an entry in ClinVar:

ClinVar aggregate classification (germline): Likely benign (1 of 4 stars; one submission).

Conditions:
Familial thoracic aortic aneurysm and aortic dissection (TAAD). Also called: Thoracic aortic aneurysms and dissections. Identifiers: Orphanet 91387, MedGen C4707243, MONDO:0019625.

Submission:

All of Us Research Program, National Institutes of Health
Classification: Likely benign for Familial thoracic aortic aneurysm and aortic dissection. Last evaluated: 2023-09-04. Review status: criteria provided, single submitter. Criteria: ACMG Guidelines, 2015. Collection method: clinical testing. Allele origin: germline. Inheritance: Autosomal dominant inheritance. Observed: 1 variant allele, 1 heterozygote.
Comment: This study involves interpretation of variants in research participants for the purpose of population health screening. Participant phenotype was not available at the time of variant classification. Additional details can be found in publication PMID: 35346344, PMCID: PMC8962531

NM_002474.3(MYH11):c.1632C>G (p.Ala544=)

Gene: MYH11 (myosin heavy chain 11; minus strand). Cytogenetic location: 16p13.11.
Variant type: single nucleotide variant.
Coding change: c.1632C>G on transcript NM_002474.3 (MANE Select); coding-DNA position 1632, C replaced by G.
Protein change: p.Ala544=; no amino-acid change (alanine 544 retained).
Molecular consequence: synonymous variant.
Genome position (GRCh38, 1-based): chr16:15,756,458, G>C on the plus strand (C>G on the coding strand, the complement: MYH11 is on the minus strand). VCF-style: chr16-15756458-G-C. GRCh37 (hg19) VCF-style: chr16-15850315-G-C.
Other names: c.1653C>G, p.Ala551= (NM_001040113.2, NM_001040114.2); c.1632C>G, p.Ala544= (NM_022844.3).
Identifiers: ClinVar variation 3073346 (VCV003073346.1), dbSNP rs2506359441, ClinGen allele CA493793382.